The following is an entry in ClinVar:

NM_000138.5(FBN1):c.5649T>C (p.Asn1883=)

Gene: FBN1 (fibrillin 1; minus strand). Cytogenetic location: 15q21.1.
Variant type: single nucleotide variant.
Coding change: c.5649T>C on transcript NM_000138.5 (MANE Select); coding-DNA position 5649, T replaced by C.
Protein change: p.Asn1883=; no amino-acid change (asparagine 1883 retained).
Molecular consequence: synonymous variant.
Genome position (GRCh38, 1-based): chr15:48,448,790, A>G on the plus strand (T>C on the coding strand, the complement: FBN1 is on the minus strand). VCF-style: chr15-48448790-A-G. GRCh37 (hg19) VCF-style: chr15-48740987-A-G.
Identifiers: ClinVar variation 925233 (VCV000925233.7), dbSNP rs1192296578, ClinGen allele CA490023117.

ClinVar aggregate classification (germline): Likely benign. Review status: criteria provided, multiple submitters, no conflicts (2 of 4 stars). 5 submissions from 5 submitters: Likely benign (5). Last evaluated 2025-11-30.

Conditions:
Familial thoracic aortic aneurysm and aortic dissection (TAAD). Also called: Thoracic aortic aneurysms and dissections. Identifiers: Orphanet 91387, MedGen C4707243, MONDO:0019625.
Marfan syndrome (MFS). Also called: Marfan syndrome, classic; Marfan syndrome type 1; Marfan's syndrome; FBN1-Related Marfan Syndrome; MARFAN SYNDROME, TYPE I. Identifiers: Orphanet 284963, Orphanet 558, MedGen C0024796, MONDO:0007947, OMIM 154700.

Allele frequency attached by ClinVar (database versions not stated): gnomAD 0.00001; TOPMed 0.00001; gnomAD exomes 0.00001.
gnomAD v4.1: 20 of 1,612,902 alleles (0.0012%); highest among the groups gnomAD compares: Non-Finnish European, 0.0015%; no homozygotes.

Submissions (5):

Labcorp Genetics (formerly Invitae), Labcorp
Classification: Likely benign for Marfan syndrome; Familial thoracic aortic aneurysm and aortic dissection. Last evaluated: 2025-11-30. Review status: criteria provided, single submitter. Criteria: Invitae Variant Classification Sherloc (09022015). Collection method: clinical testing. Allele origin: germline.

Blueprint Genetics
Classification: Likely benign. Last evaluated: 2024-10-15. Review status: criteria provided, single submitter. Criteria: ACMG Guidelines, 2015. Collection method: clinical testing. Allele origin: germline.

All of Us Research Program, National Institutes of Health
Classification: Likely benign for Marfan syndrome. Last evaluated: 2023-11-02. Review status: criteria provided, single submitter. Criteria: ACMG Guidelines, 2015. Collection method: clinical testing. Allele origin: germline. Inheritance: Autosomal dominant inheritance. Observed: 4 variant alleles, 4 heterozygotes.
Comment: This study involves interpretation of variants in research participants for the purpose of population health screening. Participant phenotype was not available at the time of variant classification. Additional details can be found in publication PMID: 35346344, PMCID: PMC8962531

Ambry Genetics
Classification: Likely benign for Familial thoracic aortic aneurysm and aortic dissection. Last evaluated: 2023-09-10. Review status: criteria provided, single submitter. Criteria: Ambry Variant Classification Scheme 2023. Collection method: clinical testing. Allele origin: germline.

Color Diagnostics, LLC DBA Color Health
Classification: Likely benign for Familial thoracic aortic aneurysm and aortic dissection. Last evaluated: 2019-08-26. Review status: criteria provided, single submitter. Criteria: ACMG Guidelines, 2015. Collection method: clinical testing. Allele origin: germline.